The following is an entry in ClinVar:

NM_013450.4(BAZ2B):c.871_872del (p.Glu290_Ser291insTer)

Gene: BAZ2B (bromodomain adjacent to zinc finger domain 2B; minus strand). Cytogenetic location: 2q24.2.
Variant type: Microsatellite.
Coding change: c.871_872del on transcript NM_013450.4 (MANE Select); coding-DNA positions 871 to 872, 2 bases deleted (AG; older notation c.871_872delAG).
Protein change: p.Glu290_Ser291insTer.
Molecular consequence: nonsense.
Genome position (GRCh38, 1-based): chr2:159,439,037-159,439,038, CT deleted on the plus strand (AG on the coding strand, the reverse complement: BAZ2B is on the minus strand); deleting any 2 consecutive bases within chr2:159,439,037-159,439,042 gives the same sequence; the c. name uses the placement nearest the transcript's 3' end. VCF-style (leftmost placement, unchanged base first): chr2-159439036-ACT-A. GRCh37 (hg19) VCF-style: chr2-160295547-ACT-A.
Other names: c.865_866del, p.Glu288_Ser289insTer (NM_001289975.1); c.682_683del, p.Glu227_Ser228insTer (NM_001329857.2); c.871_872del, p.Glu290_Ser291insTer (NM_001329858.2).
Identifiers: ClinVar variation 3368853 (VCV003368853.1).

ClinVar aggregate classification (germline): Uncertain significance (1 of 4 stars; one submission).

Submission:

GeneDx
Classification: Uncertain significance. Last evaluated: 2024-02-05. Review status: criteria provided, single submitter. Criteria: GeneDx Variant Classification Process June 2021. Collection method: clinical testing. Allele origin: germline. Affected: yes.
Comment: Not observed at significant frequency in large population cohorts (gnomAD); Nonsense variant predicted to result in protein truncation or nonsense mediated decay in a gene or region of a gene for which loss of function is not a well-established mechanism of disease; Has not been previously published as pathogenic or benign to our knowledge